The following is an entry in ClinVar:

ClinVar aggregate classification (germline): Uncertain significance (1 of 4 stars; one submission).

Conditions:
Hereditary breast ovarian cancer syndrome. Also called: Hereditary breast and ovarian cancer syndrome; Hereditary breast and ovarian cancer syndrome (HBOC); BRCA1- and BRCA2-Associated Hereditary Breast and Ovarian Cancer; Hereditary breast and ovarian cancer; Breast and ovarian cancer; Hereditary breast and/or ovarian cancer syndrome. Identifiers: Orphanet 145, MedGen C0677776, MeSH D061325, MONDO:0003582. Disease mechanism: loss of function.

Submission:

Labcorp Genetics (formerly Invitae), Labcorp
Classification: Uncertain significance for Hereditary breast ovarian cancer syndrome. Last evaluated: 2024-06-15. Review status: criteria provided, single submitter. Criteria: Invitae Variant Classification Sherloc (09022015). Collection method: clinical testing. Allele origin: germline.
Comment: This sequence change replaces alanine, which is neutral and non-polar, with glutamic acid, which is acidic and polar, at codon 1052 of the BRCA2 protein (p.Ala1052Glu). This variant is not present in population databases (gnomAD no frequency). This variant has not been reported in the literature in individuals affected with BRCA2-related conditions. Advanced modeling of protein sequence and biophysical properties (such as structural, functional, and spatial information, amino acid conservation, physicochemical variation, residue mobility, and thermodynamic stability) performed at Invitae indicates that this missense variant is not expected to disrupt BRCA2 protein function with a negative predictive value of 95%. In summary, the available evidence is currently insufficient to determine the role of this variant in disease. Therefore, it has been classified as a Variant of Uncertain Significance.

NM_000059.4(BRCA2):c.3155C>A (p.Ala1052Glu)

Gene: BRCA2 (BRCA2 DNA repair associated; plus strand). Cytogenetic location: 13q13.1.
Variant type: single nucleotide variant.
Coding change: c.3155C>A on transcript NM_000059.4 (MANE Select); coding-DNA position 3155, C replaced by A.
Protein change: p.Ala1052Glu; replaces alanine 1052 with glutamic acid.
Molecular consequence: missense variant. On other transcripts: non-coding transcript variant (1), intron variant (2).
Genome position (GRCh38, 1-based): chr13:32,337,510, C>A. VCF-style: chr13-32337510-C-A. GRCh37 (hg19) VCF-style: chr13-32911647-C-A.
Other names: c.3155C>A, p.Ala1052Glu (NM_001406719.1, NM_001406720.1, NM_001432077.1); c.1909+4123C>A (NM_001406721.1); c.424+6480C>A (NM_001406722.1); short protein forms A1052E.
Identifiers: ClinVar variation 3636454 (VCV003636454.2).